The following is an entry in ClinVar:

NM_001267550.2(TTN):c.68824+1del

Genes: TTN (titin; minus strand), TTN-AS1 (TTN antisense RNA 1; plus strand). Cytogenetic location: 2q31.2.
Variant type: Deletion.
Coding change: c.68824+1del on transcript NM_001267550.2 (MANE Select); the canonical splice donor site of the intron after coding-DNA position 68824, one base deleted (G; older notation c.68824+1delG).
Molecular consequence: splice donor variant.
Genome position (GRCh38, 1-based): chr2:178,577,601, C deleted on the plus strand (G on the coding strand, the reverse complement: TTN is on the minus strand); the first of 2 consecutive C bases (chr2:178,577,601-178,577,602); deleting either gives the same sequence. VCF-style (leftmost placement, unchanged base first): chr2-178577600-AC-A. GRCh37 (hg19) VCF-style: chr2-179442327-AC-A.
Other names: c.41629+1del (NM_003319.4); c.42205+1del (NM_133437.4); c.42004+1del (NM_133432.3); c.61120+1del (NM_133378.4); c.63901+1del (NM_001256850.1).
Identifiers: ClinVar variation 2001477 (VCV002001477.4), dbSNP rs2468791144, ClinGen allele CA2580064951.

ClinVar aggregate classification (germline): Likely pathogenic (1 of 4 stars; one submission).

Conditions:
Dilated cardiomyopathy 1G (CMD1G). Identifiers: Orphanet 154, MedGen C1858763, MONDO:0011400, OMIM 604145.
Autosomal recessive limb-girdle muscular dystrophy type 2J (LGMDR10). Also called: MUSCULAR DYSTROPHY, LIMB-GIRDLE, AUTOSOMAL RECESSIVE 10; Limb-girdle muscular dystrophy, type 2J. Identifiers: Orphanet 140922, MedGen C1837342, MONDO:0012127, OMIM 608807.

Submission:

Labcorp Genetics (formerly Invitae), Labcorp
Classification: Likely pathogenic for Dilated cardiomyopathy 1G; Autosomal recessive limb-girdle muscular dystrophy type 2J. Last evaluated: 2022-05-31. Review status: criteria provided, single submitter. Criteria: Invitae Variant Classification Sherloc (09022015). Collection method: clinical testing. Allele origin: germline.
Comment: This sequence change creates a premature translational stop signal (p.Glu22942Argfs*11) in the TTN gene. While this is not anticipated to result in nonsense mediated decay, it is expected to create a truncated TTN protein. This variant is not present in population databases (gnomAD no frequency). This variant has not been reported in the literature in individuals affected with TTN-related conditions. This variant is also known as c.68824+1del. Algorithms developed to predict the effect of sequence changes on RNA splicing suggest that this variant may disrupt the consensus splice site. This variant is located in the A band of TTN (PMID: 25589632). Truncating variants in this region are significantly overrepresented in patients affected with dilated cardiomyopathy (PMID: 25589632). Truncating variants in this region have also been reported in individuals affected with autosomal recessive centronuclear myopathy (PMID: 23975875). In summary, the currently available evidence indicates that the variant is pathogenic, but additional data are needed to prove that conclusively. Therefore, this variant has been classified as Likely Pathogenic.

Literature cited by the submitters: PubMed 25589632; PubMed 23975875.